The following is an entry in ClinVar:

ClinVar aggregate classification (germline): Uncertain significance (1 of 4 stars; one submission).

Conditions:
Cardiac arrhythmia. Also called: Arrhythmia; Cardiac rhythm disease. Identifiers: MedGen C0003811, MONDO:0007263, HP:0011675.

Submission:

Color Diagnostics, LLC DBA Color Health
Classification: Uncertain significance for Cardiac arrhythmia. Last evaluated: 2022-12-13. Review status: criteria provided, single submitter. Criteria: ACMG Guidelines, 2015. Collection method: clinical testing. Allele origin: germline.
Comment: This missense variant replaces glycine with serine at codon 252 of the KCNQ1 protein. Computational prediction suggests that this variant may have deleterious impact on protein structure and function (internally defined REVEL score threshold >= 0.7, PMID: 27666373). To our knowledge, functional studies have not been reported for this variant. This variant has not been reported in individuals affected with KCNQ1-related disorders in the literature. This variant has not been identified in the general population by the Genome Aggregation Database (gnomAD). The available evidence is insufficient to determine the role of this variant in disease conclusively. Therefore, this variant is classified as a Variant of Uncertain Significance.

NM_000218.3(KCNQ1):c.754G>A (p.Gly252Ser)

Gene: KCNQ1 (potassium voltage-gated channel subfamily Q member 1; plus strand). Cytogenetic location: 11p15.5.
Variant type: single nucleotide variant.
Coding change: c.754G>A on transcript NM_000218.3 (MANE Select); coding-DNA position 754, G replaced by A.
Protein change: p.Gly252Ser; replaces glycine 252 with serine.
Molecular consequence: missense variant. On other transcripts: intron variant (1).
Genome position (GRCh38, 1-based): chr11:2,572,083, G>A. VCF-style: chr11-2572083-G-A. GRCh37 (hg19) VCF-style: chr11-2593313-G-A.
Other names: c.754G>A, p.Gly252Ser (NM_001406836.1); c.484G>A, p.Gly162Ser (NM_001406837.1); c.373G>A, p.Gly125Ser (NM_181798.2); c.478-11352G>A (NM_001406838.1); short protein forms G125S, G252S, G162S.
Identifiers: ClinVar variation 2773468 (VCV002773468.2), dbSNP rs1257135185, ClinGen allele CA379131022.